The following is an entry in ClinVar:

NM_152424.4(AMER1):c.908G>A (p.Gly303Asp)

Gene: AMER1 (APC membrane recruitment protein 1; minus strand). Cytogenetic location: Xq11.2.
Variant type: single nucleotide variant.
Coding change: c.908G>A on transcript NM_152424.4 (MANE Select); coding-DNA position 908, G replaced by A.
Protein change: p.Gly303Asp; replaces glycine 303 with aspartic acid.
Molecular consequence: missense variant.
Genome position (GRCh38, 1-based): chrX:64,192,379, C>T on the plus strand (G>A on the coding strand, the complement: AMER1 is on the minus strand). VCF-style: chrX-64192379-C-T. GRCh37 (hg19) VCF-style: chrX-63412259-C-T.
Other names: short protein forms G303D.
Identifiers: ClinVar variation 133503 (VCV000133503.9), dbSNP rs200552684, ClinGen allele CA156708.

ClinVar aggregate classification (germline): Benign. Review status: criteria provided, single submitter (1 of 4 stars). 2 submissions from 2 submitters: Benign (1). 1 of the submissions does not count toward it. Last evaluated 2026-01-18.

Allele frequency attached by ClinVar (database versions not stated): ESP Exome Variant Server 0.00019; gnomAD exomes 0.00023 and 0.00027; TOPMed 0.00025; gnomAD 0.00026 and 0.00029; ExAC 0.00028.
gnomAD v4.1: 319 of 1,211,225 alleles (0.026%); highest among the groups gnomAD compares: Non-Finnish European, 0.034%; no homozygotes.

Submissions (2):

Labcorp Genetics (formerly Invitae), Labcorp
Classification: Benign. Last evaluated: 2026-01-18. Review status: criteria provided, single submitter. Criteria: Invitae Variant Classification Sherloc (09022015). Collection method: clinical testing. Allele origin: germline.

ITMI
No classification provided. Condition: AllHighlyPenetrant. Last evaluated: 2013-09-19. Review status: no classification provided. Collection method: reference population. Allele origin: germline. Not counted in ClinVar's aggregate classification.
Comment: Please see associated publication for description of ethnicities

Literature cited by the submitters: PubMed 24728327 (cited by ITMI).